The following is an entry in ClinVar:

NM_004655.4(AXIN2):c.1103C>T (p.Ala368Val)

Gene: AXIN2 (axin 2; minus strand). Cytogenetic location: 17q24.1.
Variant type: single nucleotide variant.
Coding change: c.1103C>T on transcript NM_004655.4 (MANE Select); coding-DNA position 1103, C replaced by T.
Protein change: p.Ala368Val; replaces alanine 368 with valine.
Molecular consequence: missense variant.
Genome position (GRCh38, 1-based): chr17:65,538,300, G>A on the plus strand (C>T on the coding strand, the complement: AXIN2 is on the minus strand). VCF-style: chr17-65538300-G-A. GRCh37 (hg19) VCF-style: chr17-63534418-G-A.
Other names: c.1103C>T (LRG_296t1); c.1103C>T, p.Ala368Val (NM_001363813.1); short protein forms A368V.
Identifiers: ClinVar variation 577046 (VCV000577046.22), dbSNP rs1480983759, ClinGen allele CA400678467.

ClinVar aggregate classification (germline): Uncertain significance. Review status: criteria provided, multiple submitters, no conflicts (2 of 4 stars). 4 submissions from 4 submitters: Uncertain significance (4). Last evaluated 2025-08-13.

Conditions:
Hereditary cancer-predisposing syndrome. Also called: Tumor predisposition; Hereditary neoplastic syndrome; Hereditary Cancer Syndrome; Neoplastic Syndromes, Hereditary. Identifiers: Orphanet 140162, MedGen C0027672, MeSH D009386, MONDO:0015356.
Oligodontia-cancer predisposition syndrome. Also called: TOOTH AGENESIS-COLORECTAL CANCER SYNDROME. Identifiers: Orphanet 300576, MedGen C1837750, MONDO:0012075, OMIM 608615. Disease mechanism: loss of function.

Allele frequency attached by ClinVar (database versions not stated): gnomAD 0.00001; TOPMed 0.00001.

Submissions (4):

Labcorp Genetics (formerly Invitae), Labcorp
Classification: Uncertain significance for Oligodontia-cancer predisposition syndrome. Last evaluated: 2025-08-13. Review status: criteria provided, single submitter. Criteria: Invitae Variant Classification Sherloc (09022015). Collection method: clinical testing. Allele origin: germline.
Comment: This sequence change replaces alanine, which is neutral and non-polar, with valine, which is neutral and non-polar, at codon 368 of the AXIN2 protein (p.Ala368Val). This variant is not present in population databases (gnomAD no frequency). This variant has not been reported in the literature in individuals affected with AXIN2-related conditions. ClinVar contains an entry for this variant (Variation ID: 577046). Invitae Evidence Modeling of protein sequence and biophysical properties (such as structural, functional, and spatial information, amino acid conservation, physicochemical variation, residue mobility, and thermodynamic stability) indicates that this missense variant is not expected to disrupt AXIN2 protein function with a negative predictive value of 80%. In summary, the available evidence is currently insufficient to determine the role of this variant in disease. Therefore, it has been classified as a Variant of Uncertain Significance.

Center for Genomic Medicine, Rigshospitalet, Copenhagen University Hospital
Classification: Uncertain significance. Last evaluated: 2025-03-04. Review status: criteria provided, single submitter. Criteria: ACMG Guidelines, 2015. Collection method: clinical testing. Allele origin: germline.

Ambry Genetics
Classification: Uncertain significance for Hereditary cancer-predisposing syndrome. Last evaluated: 2024-04-11. Review status: criteria provided, single submitter. Criteria: Ambry Variant Classification Scheme 2023. Collection method: clinical testing. Allele origin: germline.
Comment: The p.A368V variant (also known as c.1103C>T), located in coding exon 4 of the AXIN2 gene, results from a C to T substitution at nucleotide position 1103. The alanine at codon 368 is replaced by valine, an amino acid with similar properties. This amino acid position is conserved. In addition, the in silico prediction for this alteration is inconclusive. Since supporting evidence is limited at this time, the clinical significance of this alteration remains unclear.

Sema4
Classification: Uncertain significance for Hereditary cancer-predisposing syndrome. Last evaluated: 2021-09-09. Review status: criteria provided, single submitter. Criteria: Sema4 Curation Guidelines. Collection method: curation. Allele origin: germline.
Comment: The AXIN2 c.1103C>T (p.A368V) variant has not been reported in the literature to our knowledge. It was not observed in the large and broad cohorts of the Genome Aggregation Database (PMID: 32461654). This variant has been reported in ClinVar (Variation ID: 577046). Functional studies have not been performed, and in silico predictions of the variant's effect on protein function are inconclusive. The evidence is insufficient to meet ACMG/AMP criteria for classifying the variant as benign or pathogenic. Thus, the clinical significance of this variant is currently uncertain.